The following is an entry in ClinVar:

ClinVar aggregate classification (germline): Likely benign. Review status: criteria provided, multiple submitters, no conflicts (2 of 4 stars). 2 submissions from 2 submitters: Likely benign (2). Last evaluated 2026-01-12.

Conditions:
Kabuki syndrome. Also called: NIIKAWA-KUROKI SYNDROME; Kabuki make-up syndrome. Identifiers: Orphanet 2322, MedGen C0796004, MONDO:0016512.

gnomAD v4.1: 1 of 1,596,848 alleles (0.000063%); highest among the groups gnomAD compares: Non-Finnish European, 0.000085%; no homozygotes.

Submissions (2):

Labcorp Genetics (formerly Invitae), Labcorp
Classification: Likely benign for Kabuki syndrome. Last evaluated: 2026-01-12. Review status: criteria provided, single submitter. Criteria: Invitae Variant Classification Sherloc (09022015). Collection method: clinical testing. Allele origin: germline.

CeGaT Center for Human Genetics Tuebingen
Classification: Likely benign. Last evaluated: 2022-10-01. Review status: criteria provided, single submitter. Criteria: CeGaT Center For Human Genetics Tuebingen Variant Classification Criteria Version 2. Collection method: clinical testing. Allele origin: germline. Affected: yes. Observed: 1 variant allele.
Comment: KMT2D: BP4, BP7

NM_003482.4(KMT2D):c.9558G>A (p.Gly3186=)

Gene: KMT2D (lysine methyltransferase 2D; minus strand). Cytogenetic location: 12q13.12.
Variant type: single nucleotide variant.
Coding change: c.9558G>A on transcript NM_003482.4 (MANE Select); coding-DNA position 9558, G replaced by A.
Protein change: p.Gly3186=; no amino-acid change (glycine 3186 retained).
Molecular consequence: synonymous variant.
Genome position (GRCh38, 1-based): chr12:49,037,798, C>T on the plus strand (G>A on the coding strand, the complement: KMT2D is on the minus strand). VCF-style: chr12-49037798-C-T. GRCh37 (hg19) VCF-style: chr12-49431581-C-T.
Identifiers: ClinVar variation 2642949 (VCV002642949.25), dbSNP rs1390707389, ClinGen allele CA479710122.